The following is an entry in ClinVar:

NM_004606.5(TAF1):c.365A>G (p.Asp122Gly)

Gene: TAF1 (TATA-box binding protein associated factor 1; plus strand). Cytogenetic location: Xq13.1.
Variant type: single nucleotide variant.
Coding change: c.365A>G on transcript NM_004606.5 (MANE Select); coding-DNA position 365, A replaced by G.
Protein change: p.Asp122Gly; replaces aspartic acid 122 with glycine.
Molecular consequence: missense variant. On other transcripts: non-coding transcript variant (9).
Genome position (GRCh38, 1-based): chrX:71,375,179, A>G. VCF-style: chrX-71375179-A-G. GRCh37 (hg19) VCF-style: chrX-70595029-A-G.
Other names: c.365A>G, p.Asp122Gly (NM_001286074.2, NM_138923.4); short protein forms D122G.
Identifiers: ClinVar variation 3368776 (VCV003368776.1).
Genomic context (GRCh38, chrX:71,375,179, plus strand): 5'-TGTATAATATTTTGGATATTGAGGAGATCACCTTCTTGGTTTTATTAGATTATGATGAAG[A>G]TGACTATGATGCTGATTGTGAAGACATTGATTGCAAGTTGATGCCTCCTCCACCTCCACC-3'
Protein context (NP_004597.3, residues 112-132): QPLCHSDYDE[Asp122Gly]DYDADCEDID

ClinVar aggregate classification (germline): Uncertain significance (1 of 4 stars; one submission).

Submission:

GeneDx
Classification: Uncertain significance. Last evaluated: 2024-02-04. Review status: criteria provided, single submitter. Criteria: GeneDx Variant Classification Process June 2021. Collection method: clinical testing. Allele origin: germline. Affected: yes.
Comment: Not observed at significant frequency in large population cohorts (gnomAD); In silico analysis supports that this missense variant has a deleterious effect on protein structure/function; Has not been previously published as pathogenic or benign to our knowledge